The following is an entry in ClinVar:

ClinVar aggregate classification (germline): Uncertain significance (1 of 4 stars; one submission).

Submission:

Ambry Genetics
Classification: Uncertain significance. Last evaluated: 2024-07-28. Review status: criteria provided, single submitter. Criteria: Ambry Variant Classification Scheme 2023. Collection method: clinical testing. Allele origin: germline.
Comment: The p.V720L variant (also known as c.2158G>C), located in coding exon 11 of the PALLD gene, results from a G to C substitution at nucleotide position 2158. The valine at codon 720 is replaced by leucine, an amino acid with highly similar properties. This amino acid position is conserved. In addition, the in silico prediction for this alteration is inconclusive. Based on the available evidence, the clinical significance of this variant remains unclear.

NM_001166108.2(PALLD):c.2158G>C (p.Val720Leu)

Genes: CBR4 (carbonyl reductase 4; minus strand), PALLD (palladin, cytoskeletal associated protein; plus strand). Cytogenetic location: 4q32.3.
Variant type: single nucleotide variant.
Coding change: c.2158G>C on transcript NM_001166108.2 (MANE Select); coding-DNA position 2158, G replaced by C.
Protein change: p.Val720Leu; replaces valine 720 with leucine.
Molecular consequence: missense variant.
Genome position (GRCh38, 1-based): chr4:168,894,636, G>C. VCF-style: chr4-168894636-G-C. GRCh37 (hg19) VCF-style: chr4-169815787-G-C.
Other names: c.1012G>C, p.Val338Leu (NM_001166109.2); c.697G>C, p.Val233Leu (NM_001166110.2); c.37G>C, p.Val13Leu (NM_001367567.1, NM_001367568.1, NM_001367569.1 and 1 more transcripts); c.2158G>C, p.Val720Leu (NM_016081.4); short protein forms V233L, V720L, V338L, V13L.
Identifiers: ClinVar variation 3413584 (VCV003413584.1).